The following is an entry in ClinVar:

ClinVar aggregate classification (germline): not provided (0 of 4 stars; one submission).

Allele frequency attached by ClinVar (database versions not stated): gnomAD exomes 0.00003; TOPMed 0.00003; gnomAD 0.00004.

Submission:

Human Evolutionary Genetics, Institut Pasteur
No classification provided. Review status: no classification provided. Collection method: not provided. Allele origin: germline.
ClinVar note: Converted during submission from untested to not provided.

NM_001243133.2(NLRP3):c.2151-109C>A

Gene: NLRP3 (NLR family pyrin domain containing 3; plus strand). Cytogenetic location: 1q44.
Variant type: single nucleotide variant.
Coding change: c.2151-109C>A on transcript NM_001243133.2 (MANE Select); 109 bases into the intron before coding-DNA position 2151, C replaced by A.
Molecular consequence: intron variant.
Genome position (GRCh38, 1-based): chr1:247,429,476, C>A. VCF-style: chr1-247429476-C-A. GRCh37 (hg19) VCF-style: chr1-247592778-C-A.
Other names: c.2157-109C>A (NM_004895.5); c.2151-109C>A (NM_001127461.3, NM_001079821.3); c.2150+3877C>A (NM_001127462.3, NM_183395.3).
Identifiers: ClinVar variation 103035 (VCV000103035.2), dbSNP rs199475734, ClinGen allele CA229999.